The following is an entry in ClinVar:

ClinVar aggregate classification (germline): Likely pathogenic. Review status: criteria provided, single submitter (1 of 4 stars). 3 submissions from 3 submitters: Likely pathogenic (1). 2 of the submissions do not count toward it. Last evaluated 2022-03-18.

Conditions:
SLX4-related disorder. Also called: SLX4-related condition.
Fanconi anemia complementation group P. Also called: SLX4-Related Fanconi Anemia. Identifiers: Orphanet 84, MedGen C3469542, MONDO:0013499, OMIM 613951.

Allele frequency attached by ClinVar (database versions not stated): gnomAD exomes 0.00001; ExAC 0.00002.
gnomAD v4.1: 10 of 1,613,398 alleles (0.00062%); highest among the groups gnomAD compares: South Asian, 0.011%; no homozygotes.

Submissions (3):

Blueprint Genetics
Classification: Likely pathogenic for SLX4-related disorders. Last evaluated: 2022-03-18. Review status: criteria provided, single submitter. Criteria: ACMG Guidelines, 2015. Collection method: clinical testing. Allele origin: germline. Affected: yes. Observed: 4 variant alleles.

Leiden Open Variation Database
Classification: Pathogenic for Fanconi anemia complementation group P. Last evaluated: 2011-02-22. Review status: no assertion criteria provided. Collection method: curation. Allele origin: germline. Affected: yes. Not counted in ClinVar's aggregate classification.
Comment: Curator: Arleen D. Auerbach. Submitter to LOVD: Arleen D. Auerbach.

OMIM
Classification: Pathogenic for FANCONI ANEMIA, COMPLEMENTATION GROUP P. Last evaluated: 2011-02-01. Review status: no assertion criteria provided. Collection method: literature only. Allele origin: germline. Not counted in ClinVar's aggregate classification.

Literature cited by the submitters: PubMed 21240275 (cited by Leiden Open Variation Database and OMIM).

NM_032444.4(SLX4):c.1163+2T>A

Gene: SLX4 (SLX4 structure-specific endonuclease subunit; minus strand). Cytogenetic location: 16p13.3.
Variant type: single nucleotide variant.
Coding change: c.1163+2T>A on transcript NM_032444.4 (MANE Select); the canonical splice donor site of the intron after coding-DNA position 1163, T replaced by A.
Molecular consequence: splice donor variant.
Genome position (GRCh38, 1-based): chr16:3,600,977, A>T on the plus strand (T>A on the coding strand, the complement: SLX4 is on the minus strand). VCF-style: chr16-3600977-A-T. GRCh37 (hg19) VCF-style: chr16-3650978-A-T.
Other names: IVS5DS, T-A, +2.
Identifiers: ClinVar variation 31024 (VCV000031024.5), dbSNP rs773642409, ClinGen allele CA7866625.